The following is an entry in ClinVar:

ClinVar aggregate classification (germline): Uncertain significance (1 of 4 stars; one submission).

Conditions:
Beckwith-Wiedemann syndrome (BWS). Also called: Exomphalos macroglossia gigantism syndrome; EMG SYNDROME. Identifiers: Orphanet 116, MedGen C0004903, MONDO:0007534, OMIM 130650.

Submission:

Labcorp Genetics (formerly Invitae), Labcorp
Classification: Uncertain significance for Beckwith-Wiedemann syndrome. Last evaluated: 2021-05-26. Review status: criteria provided, single submitter. Criteria: Invitae Variant Classification Sherloc (09022015). Collection method: clinical testing. Allele origin: germline.
Comment: This sequence change replaces proline with serine at codon 162 of the CDKN1C protein (p.Pro162Ser). The proline residue is weakly conserved and there is a moderate physicochemical difference between proline and serine. In summary, the available evidence is currently insufficient to determine the role of this variant in disease. Therefore, it has been classified as a Variant of Uncertain Significance. Algorithms developed to predict the effect of missense changes on protein structure and function are either unavailable or do not agree on the potential impact of this missense change (SIFT: "Tolerated"; PolyPhen-2: "Not Available"; Align-GVGD: "Class C0"). This variant has not been reported in the literature in individuals with CDKN1C-related conditions. The frequency data for this variant in the population databases is considered unreliable, as metrics indicate insufficient coverage at this position in the ExAC database.

NM_001122630.2(CDKN1C):c.451C>T (p.Pro151Ser)

Gene: CDKN1C (cyclin dependent kinase inhibitor 1C; minus strand). Cytogenetic location: 11p15.4.
Variant type: single nucleotide variant.
Coding change: c.451C>T on transcript NM_001122630.2 (MANE Select); coding-DNA position 451, C replaced by T.
Protein change: p.Pro151Ser; replaces proline 151 with serine.
Molecular consequence: missense variant. On other transcripts: intron variant (1).
Genome position (GRCh38, 1-based): chr11:2,885,006, G>A on the plus strand (C>T on the coding strand, the complement: CDKN1C is on the minus strand). VCF-style: chr11-2885006-G-A. GRCh37 (hg19) VCF-style: chr11-2906236-G-A.
Other names: c.484C>T, p.Pro162Ser (NM_000076.2, NM_001362474.2); c.451C>T, p.Pro151Ser (NM_001122631.2); c.255+196C>T (NM_001362475.2); short protein forms P151S, P162S.
Identifiers: ClinVar variation 934510 (VCV000934510.9), dbSNP rs1848950080, ClinGen allele CA379146609.
Genomic context (GRCh38, chr11:2,885,006, plus strand): 5'-GGGCCGGGGCCAGGACCGCGACCGCGACCGGAGCCGCGACCGGAGCCGCGACCGGAGCCG[G>A]AGCCGGGGCCGGGGCTGGAGCCAGGACCGGGACTGGGGGCGGGGTGGACGCCGGGGCCGG-3'
Protein context (NP_001116102.1, residues 141-161): PVLAPAPAPA[Pro151Ser]APVAAPVAAP